The following is an entry in ClinVar:

NM_003239.5(TGFB3):c.161C>T (p.Thr54Ile)

Gene: TGFB3 (transforming growth factor beta 3; minus strand). Cytogenetic location: 14q24.3.
Variant type: single nucleotide variant.
Coding change: c.161C>T on transcript NM_003239.5 (MANE Select); coding-DNA position 161, C replaced by T.
Protein change: p.Thr54Ile; replaces threonine 54 with isoleucine.
Molecular consequence: missense variant.
Genome position (GRCh38, 1-based): chr14:75,980,733, G>A on the plus strand (C>T on the coding strand, the complement: TGFB3 is on the minus strand). VCF-style: chr14-75980733-G-A. GRCh37 (hg19) VCF-style: chr14-76447076-G-A.
Other names: c.161C>T, p.Thr54Ile (NM_001329938.2, NM_001329939.2); short protein forms T54I.
Identifiers: ClinVar variation 1698940 (VCV001698940.3), dbSNP rs2140254476, ClinGen allele CA390471519.

ClinVar aggregate classification (germline): Uncertain significance. Review status: criteria provided, multiple submitters, no conflicts (2 of 4 stars). 2 submissions from 2 submitters: Uncertain significance (2). Last evaluated 2022-01-17.

Conditions:
Rienhoff syndrome. Also called: LOEYS-DIETZ SYNDROME 5. Identifiers: MedGen C3810012, MONDO:0014262, OMIM 615582.

Submissions (2):

Genetics and Molecular Pathology, SA Pathology
Classification: Uncertain significance for Rienhoff syndrome. Last evaluated: 2022-01-17. Review status: criteria provided, single submitter. Criteria: ACMG Guidelines, 2015. Collection method: clinical testing. Allele origin: germline. Inheritance: Autosomal dominant inheritance. Affected: yes.
Comment: The TGFB3 c.161C>T variant is classified as a VARIANT OF UNCERTAIN SIGNIFICANCE (PM2, PP3) This variant is a single nucleotide change in exon 1/7 of the TGFB3 gene, which is predicted to change the amino acid Threonine at position 54 in the protein to Isoleucine. The variant has not been reported in dbSNP and is absent from population databases (PM2). The variant has not been reported in the ClinVar or HGMD disease databases. Couputational predictive tools support a deleterious effect on the gene or gene product (PP3).

Blueprint Genetics
Classification: Uncertain significance. Last evaluated: 2019-08-13. Review status: criteria provided, single submitter. Criteria: ACMG Guidelines, 2015. Collection method: clinical testing. Allele origin: germline.